The following is an entry in ClinVar:

NM_000540.3(RYR1):c.4161-6T>C

Gene: RYR1 (ryanodine receptor 1; plus strand). Cytogenetic location: 19q13.2.
Variant type: single nucleotide variant.
Coding change: c.4161-6T>C on transcript NM_000540.3 (MANE Select); 6 bases into the intron before coding-DNA position 4161, T replaced by C.
Molecular consequence: intron variant.
Genome position (GRCh38, 1-based): chr19:38,475,312, T>C. VCF-style: chr19-38475312-T-C. GRCh37 (hg19) VCF-style: chr19-38965952-T-C.
Other names: p.?; c.4161-6T>C (NM_001042723.2).
Identifiers: ClinVar variation 93268 (VCV000093268.31), dbSNP rs55845760, ClinGen allele CA024431.

ClinVar aggregate classification (germline): Benign/Likely benign. Review status: criteria provided, multiple submitters, no conflicts (2 of 4 stars). 13 submissions from 12 submitters: Benign (10); Likely benign (1). 2 of the submissions do not count toward it. Last evaluated 2026-02-04.

Conditions:
Congenital multicore myopathy with external ophthalmoplegia (CMYO1B). Also called: MULTIMINICORE DISEASE WITH EXTERNAL OPHTHALMOPLEGIA; MULTICORE MYOPATHY; Minicore myopathy with external ophthalmoplegia; Congenital myopathy 1B, autosomal recessive; Minicore myopathy. Identifiers: Orphanet 598, Orphanet 98905, MedGen C1850674, MONDO:0009712, OMIM 255320, HP:0003789.
Malignant hyperthermia, susceptibility to, 1 (MHS1). Also called: Malignant hyperthermia suceptibility 1; Anesthesia related hyperthermia; Malignant hyperpyrexia; Fulminating hyperpyrexia; Pharmacogenic myopathy; RYR1-Related Malignant Hyperthermia Susceptibility. Identifiers: Orphanet 423, MedGen C2930980, MONDO:0007783, OMIM 145600.
RYR1-related disorder. Also called: RYR1-related condition; RYR1-related disorders. Identifiers: MedGen CN239331.

Allele frequency attached by ClinVar (database versions not stated): gnomAD exomes 0.13226; gnomAD 0.18940 and 0.19230; TOPMed 0.20043; ESP Exome Variant Server 0.20834; 1000 Genomes Project 0.21705; 1000 Genomes Project 30x 0.22205; ExAC 0.24271.
gnomAD v4.1: 199,851 of 1,573,956 alleles (13%); highest among the groups gnomAD compares: African/African-American, 40%; 16,688 homozygotes.

Submissions (13):

Labcorp Genetics (formerly Invitae), Labcorp
Classification: Benign for RYR1-related disorder. Last evaluated: 2026-02-04. Review status: criteria provided, single submitter. Criteria: Invitae Variant Classification Sherloc (09022015). Collection method: clinical testing. Allele origin: germline.

Blueprint Genetics
Classification: Likely benign. Last evaluated: 2024-11-28. Review status: criteria provided, single submitter. Criteria: ACMG Guidelines, 2015. Collection method: clinical testing. Allele origin: germline.

PreventionGenetics, part of Exact Sciences
Classification: Benign. Last evaluated: 2018-04-03. Review status: criteria provided, single submitter. Criteria: ACMG Guidelines, 2015. Collection method: clinical testing. Allele origin: germline.

Color Diagnostics, LLC DBA Color Health
Classification: Benign for Malignant hyperthermia, susceptibility to, 1. Last evaluated: 2018-03-05. Review status: criteria provided, single submitter. Criteria: ACMG Guidelines, 2015. Collection method: clinical testing. Allele origin: germline.

Illumina Laboratory Services, Illumina
Classification: Benign for Congenital multicore myopathy with external ophthalmoplegia. Last evaluated: 2018-01-12. Review status: criteria provided, single submitter. Criteria: ICSL Variant Classification Criteria 13 December 2019. Collection method: clinical testing. Allele origin: germline.
Comment: This variant was observed in the ICSL laboratory as part of a predisposition screen in an ostensibly healthy population. It had not been previously curated by ICSL or reported in the Human Gene Mutation Database (HGMD: prior to June 1st, 2018), and was therefore a candidate for classification through an automated scoring system. Utilizing variant allele frequency, disease prevalence and penetrance estimates, and inheritance mode, an automated score was calculated to assess if this variant is too frequent to cause the disease. Based on the score and internal cut-off values, a variant classified as benign is not then subjected to further curation. The score for this variant resulted in a classification of benign for this disease.

Illumina Laboratory Services, Illumina
Classification: Benign for Malignant hyperthermia, susceptibility to, 1. Last evaluated: 2018-01-12. Review status: criteria provided, single submitter. Criteria: ICSL Variant Classification Criteria 13 December 2019. Collection method: clinical testing. Allele origin: germline.
Comment: the same text as in the submission from Illumina Laboratory Services, Illumina above.

Mayo Clinic Laboratories, Mayo Clinic
Classification: Benign. Last evaluated: 2017-11-22. Review status: criteria provided, single submitter. Criteria: ACMG Guidelines, 2015. Collection method: clinical testing. Allele origin: germline. Observed: 210 variant alleles.

GeneDx
Classification: Benign. Last evaluated: 2016-02-08. Review status: criteria provided, single submitter. Criteria: GeneDx Variant Classification (06012015). Collection method: clinical testing. Allele origin: germline. Affected: yes.
Comment: This variant is considered likely benign or benign based on one or more of the following criteria: it is a conservative change, it occurs at a poorly conserved position in the protein, it is predicted to be benign by multiple in silico algorithms, and/or has population frequency not consistent with disease.

Genetic Services Laboratory, University of Chicago
Classification: Benign. Last evaluated: 2013-08-15. Review status: criteria provided, single submitter. Criteria: ACMG Guidelines, 2007. Collection method: clinical testing. Allele origin: germline. Inheritance: Autosomal unknown.

Eurofins Ntd Llc (ga)
Classification: Benign. Last evaluated: 2013-03-25. Review status: criteria provided, single submitter. Criteria: EGL Classification Definitions 2015. Collection method: clinical testing. Allele origin: germline. Observed: 15 variant alleles, 13 heterozygotes, 2 homozygotes.

Breakthrough Genomics
Classification: Benign. Review status: criteria provided, single submitter. Criteria: ACMG Guidelines, 2015. Collection method: not provided. Allele origin: germline. Inheritance: Autosomal recessive inheritance. Affected: yes.

Clinical Genetics, Academic Medical Center
Classification: Benign. Review status: no assertion criteria provided. Collection method: clinical testing. Allele origin: germline. Affected: yes. Study: VKGL Data-share Consensus. Not counted in ClinVar's aggregate classification.

Joint Genome Diagnostic Labs from Nijmegen and Maastricht, Radboudumc and MUMC+
Classification: Benign. Review status: no assertion criteria provided. Collection method: clinical testing. Allele origin: germline. Affected: yes. Study: VKGL Data-share Consensus. Not counted in ClinVar's aggregate classification.